The following is an entry in ClinVar:

ClinVar aggregate classification (germline): Likely benign. Review status: criteria provided, multiple submitters, no conflicts (2 of 4 stars). 3 submissions from 3 submitters: Likely benign (3). Last evaluated 2026-04-01.

Conditions:
Ichthyosis linearis circumflexa. Identifiers: MedGen C0265962, MONDO:0043106, HP:0025810.

Allele frequency attached by ClinVar (database versions not stated): TOPMed 0.00008; gnomAD 0.00009 and 0.00011.
gnomAD v4.1: 232 of 1,611,556 alleles (0.014%); highest among the groups gnomAD compares: Non-Finnish European, 0.019%; no homozygotes.

Submissions (3):

CeGaT Center for Human Genetics Tuebingen
Classification: Likely benign. Last evaluated: 2026-04-01. Review status: criteria provided, single submitter. Criteria: CeGaT Center For Human Genetics Tuebingen Variant Classification Criteria Version 2. Collection method: clinical testing. Allele origin: germline. Affected: yes. Observed: 1 variant allele.
Comment: SPINK5: BP4, BP7

Labcorp Genetics (formerly Invitae), Labcorp
Classification: Likely benign for Ichthyosis linearis circumflexa. Last evaluated: 2026-01-27. Review status: criteria provided, single submitter. Criteria: Invitae Variant Classification Sherloc (09022015). Collection method: clinical testing. Allele origin: germline.

Blueprint Genetics
Classification: Likely benign. Last evaluated: 2023-06-02. Review status: criteria provided, single submitter. Criteria: ACMG Guidelines, 2015. Collection method: clinical testing. Allele origin: germline.

NM_006846.4(SPINK5):c.456G>A (p.Lys152=)

Gene: SPINK5 (serine peptidase inhibitor Kazal type 5; plus strand). Cytogenetic location: 5q32.
Variant type: single nucleotide variant.
Coding change: c.456G>A on transcript NM_006846.4 (MANE Select); coding-DNA position 456, G replaced by A.
Protein change: p.Lys152=; no amino-acid change (lysine 152 retained).
Molecular consequence: synonymous variant.
Genome position (GRCh38, 1-based): chr5:148,088,587, G>A. VCF-style: chr5-148088587-G-A. GRCh37 (hg19) VCF-style: chr5-147468150-G-A.
Other names: c.456G>A, p.Lys152= (NM_001127698.2, NM_001127699.2).
Identifiers: ClinVar variation 529167 (VCV000529167.17), dbSNP rs777350307, ClinGen allele CA3495226.
Genomic context (GRCh38, chr5:148,088,587, plus strand): 5'-AACTTTTGATTCTAGGAAAACCGGGTCCCAAATTGGTGTAAAAAGTGAAGGGGAATGTAA[G>A]AGCAGTAATCCAGAGCAGGTGAGGTCAATTGTCAGCCTGATGGGAAATACTGGGAGGCTA-3'
Protein context (NP_006837.2, residues 142-162): QIGVKSEGEC[Lys152=]SSNPEQDVCS